The following is an entry in ClinVar:

NM_144672.4(OTOA):c.2237C>T (p.Thr746Met)

Gene: OTOA (otoancorin). Cytogenetic location: 16p12.2.
Variant type: single nucleotide variant.
Coding change: c.2237C>T on transcript NM_144672.4 (MANE Select); coding-DNA position 2237, C replaced by T.
Protein change: p.Thr746Met; replaces threonine 746 with methionine.
Molecular consequence: missense variant.
Genome position (GRCh38, 1-based): chr16:21,730,866, C>T. VCF-style: chr16-21730866-C-T. GRCh37 (hg19) VCF-style: chr16-21742187-C-T.
Other names: c.2000C>T, p.Thr667Met (NM_001161683.2); c.1265C>T, p.Thr422Met (NM_170664.3); short protein forms T422M, T667M, T746M.
Identifiers: ClinVar variation 2493181 (VCV002493181.3), dbSNP rs768161528, ClinGen allele CA7952930.

ClinVar aggregate classification (germline): Uncertain significance. Review status: criteria provided, multiple submitters, no conflicts (2 of 4 stars). 2 submissions from 2 submitters: Uncertain significance (2). Last evaluated 2026-04-13.

Conditions:
Inborn genetic diseases. Identifiers: MedGen C0950123, MeSH D030342.
OTOA-related disorder. Also called: OTOA-related condition.

Allele frequency attached by ClinVar (database versions not stated): gnomAD 0.00001; gnomAD exomes 0.00001; ExAC 0.00002.
gnomAD v4.1: 13 of 1,575,996 alleles (0.00082%); highest among the groups gnomAD compares: South Asian, 0.0011%; no homozygotes.

Submissions (2):

PreventionGenetics, part of Exact Sciences
Classification: Uncertain significance for OTOA-related condition. Last evaluated: 2026-04-13. Review status: criteria provided, single submitter. Criteria: ACMG Guidelines, 2015. Collection method: clinical testing. Allele origin: germline.
Comment: The OTOA c.2237C>T variant is predicted to result in the amino acid substitution p.Thr746Met. To our knowledge, this variant has not been reported in the literature. This variant is reported in 0.0062% of alleles in individuals of African descent in gnomAD. At this time, the clinical significance of this variant is uncertain due to the absence of conclusive functional and genetic evidence.

Ambry Genetics
Classification: Uncertain significance for Inborn genetic diseases. Last evaluated: 2023-03-02. Review status: criteria provided, single submitter. Criteria: Ambry Variant Classification Scheme 2023. Collection method: clinical testing. Allele origin: germline.